The following is an entry in ClinVar:

NC_012920.1(MT-ND3):m.10113A>G

Gene: MT-ND3 (mitochondrially encoded NADH dehydrogenase 3; plus strand).
Variant type: single nucleotide variant.
Genome position: chrM-10113-A-G.
Identifiers: ClinVar variation 693264 (VCV000693264.1), dbSNP rs1603222679, ClinGen allele CA414804297.
Genomic context (GRCh38, chrMT:10,113, plus strand): 5'-AGAGTAATAAACTTCGCCTTAATTTTAATAATCAACACCCTCCTAGCCTTACTACTAATA[A>G]TTATTACATTTTGACTACCACAACTCAACGGCTACATAGAAAAATCCACCCCTTACGAGT-3'

ClinVar aggregate classification (germline): Likely benign (1 of 4 stars; one submission).

Conditions:
Leigh syndrome (NULS). Also called: Leigh's necrotizing encephalopathy; Leigh's disease; Leigh Syndrome (mtDNA deletion); Leigh Disease; Subacute necrotizing encephalopathy; Necrotizing encephalopathy infantile subacute of Leigh. Identifiers: Orphanet 506, MedGen C2931891, MONDO:0009723, OMIM 256000.

Submission:

Wong Mito Lab, Molecular and Human Genetics, Baylor College of Medicine
Classification: Likely benign for Leigh syndrome. Last evaluated: 2019-10-17. Review status: criteria provided, single submitter. Criteria: Modified ACMG Guidelines (Unpublished). Collection method: clinical testing. Allele origin: germline.
Comment: The NC_012920.1:m.10113A>G (YP_003024033.1:p.Ile19Val) variant in MTND3 gene is interpretated to be a Likely Benign variant based on the modified ACMG guidelines (unpublished). This variant meets the following evidence codes: BP4, BP6